The following is an entry in ClinVar:

ClinVar aggregate classification (germline): Pathogenic (1 of 4 stars; one submission).

Conditions:
Tumor predisposition syndrome 3 (TPDS3). Also called: Glioma susceptibility 9; LONG TELOMERE SYNDROME, POT1-RELATED; POT1 Tumor Predisposition; Melanoma, cutaneous malignant, susceptibility to, 10. Identifiers: Orphanet 618, MedGen C4014476, MONDO:0014368, OMIM 615848.

Submission:

Labcorp Genetics (formerly Invitae), Labcorp
Classification: Pathogenic for Tumor predisposition syndrome 3. Last evaluated: 2024-12-03. Review status: criteria provided, single submitter. Criteria: Invitae Variant Classification Sherloc (09022015). Collection method: clinical testing. Allele origin: germline.
Comment: This sequence change creates a premature translational stop signal (p.Phe542Leufs*2) in the POT1 gene. It is expected to result in an absent or disrupted protein product. Loss-of-function variants in POT1 are known to be pathogenic (PMID: 32155570). This variant is not present in population databases (gnomAD no frequency). This variant has not been reported in the literature in individuals affected with POT1-related conditions. For these reasons, this variant has been classified as Pathogenic.

Literature cited by the submitters: PubMed 32155570.

NM_015450.3(POT1):c.1626_1629del (p.Phe542fs)

Gene: POT1 (protection of telomeres 1; minus strand). Cytogenetic location: 7q31.33.
Variant type: Microsatellite.
Coding change: c.1626_1629del on transcript NM_015450.3 (MANE Select); coding-DNA positions 1626 to 1629, 4 bases deleted (TGTT; older notation c.1626_1629delTGTT).
Protein change: p.Phe542fs; shifts the reading frame from phenylalanine 542.
Molecular consequence: frameshift variant. On other transcripts: non-coding transcript variant (3).
Genome position (GRCh38, 1-based): chr7:124,827,271-124,827,274, AACA deleted on the plus strand (TGTT on the coding strand, the reverse complement: POT1 is on the minus strand); deleting any 4 consecutive bases within chr7:124,827,271-124,827,278 gives the same sequence; the c. name uses the placement nearest the transcript's 3' end. VCF-style (leftmost placement, unchanged base first): chr7-124827270-TAACA-T. GRCh37 (hg19) VCF-style: chr7-124467324-TAACA-T.
Other names: c.1233_1236del, p.Phe411fs (NM_001042594.2); short protein forms F411fs, F542fs.
Identifiers: ClinVar variation 3725859 (VCV003725859.2).
Genomic context (GRCh38, chr7:124,827,270, plus strand): 5'-TTACAGAATCCATGAGATAGGCTTCTAGTACTCCTGTTCCATCATCAAGTGTAAAGGTCA[TAACA>T]AACACATATTGGAGGGGTACAATACCCAGTGCTAGTGAAGGAAAAAAAGATCAAACCATA-3'